The following is an entry in ClinVar:

ClinVar aggregate classification (germline): Likely benign. Review status: criteria provided, multiple submitters, no conflicts (2 of 4 stars). 3 submissions from 3 submitters: Likely benign (3). Last evaluated 2025-07-09.

Conditions:
Immunodeficiency, common variable, 10. Also called: DEFICIT IN ANTERIOR PITUITARY FUNCTION AND VARIABLE IMMUNODEFICIENCY; IMMUNODEFICIENCY, COMMON VARIABLE, WITH CENTRAL ADRENAL INSUFFICIENCY. Identifiers: MedGen C3809991, MONDO:0014260, OMIM 615577.

Allele frequency attached by ClinVar (database versions not stated): ExAC 0.00002; gnomAD exomes 0.00003; TOPMed 0.00003; gnomAD 0.00004 and 0.00005.

Submissions (3):

Labcorp Genetics (formerly Invitae), Labcorp
Classification: Likely benign for Immunodeficiency, common variable, 10. Last evaluated: 2025-07-09. Review status: criteria provided, single submitter. Criteria: Invitae Variant Classification Sherloc (09022015). Collection method: clinical testing. Allele origin: germline.

CeGaT Center for Human Genetics Tuebingen
Classification: Likely benign. Last evaluated: 2024-09-01. Review status: criteria provided, single submitter. Criteria: CeGaT Center For Human Genetics Tuebingen Variant Classification Criteria Version 2. Collection method: clinical testing. Allele origin: germline. Affected: yes. Observed: 1 variant allele.
Comment: NFKB2: BP4, BP7

Blueprint Genetics
Classification: Likely benign. Last evaluated: 2024-05-03. Review status: criteria provided, single submitter. Criteria: ACMG Guidelines, 2015. Collection method: clinical testing. Allele origin: germline.

NM_001322934.2(NFKB2):c.840T>C (p.Asp280=)

Gene: NFKB2 (nuclear factor kappa B subunit 2; plus strand). Cytogenetic location: 10q24.32.
Variant type: single nucleotide variant.
Coding change: c.840T>C on transcript NM_001322934.2 (MANE Select); coding-DNA position 840, T replaced by C.
Protein change: p.Asp280=; no amino-acid change (aspartic acid 280 retained).
Molecular consequence: synonymous variant.
Genome position (GRCh38, 1-based): chr10:102,398,285, T>C. VCF-style: chr10-102398285-T-C. GRCh37 (hg19) VCF-style: chr10-104158042-T-C.
Other names: c.840T>C, p.Asp280= (NM_001077494.3, NM_001261403.3, NM_001288724.1 and 2 more transcripts).
Identifiers: ClinVar variation 739901 (VCV000739901.25), dbSNP rs199585223, ClinGen allele CA5664658.